The following is an entry in ClinVar:

ClinVar aggregate classification (germline): Conflicting classifications of pathogenicity. Review status: criteria provided, conflicting classifications (1 of 4 stars). 2 submissions from 2 submitters: Uncertain significance (1); Likely benign (1). Last evaluated 2022-11-02.

Allele frequency attached by ClinVar (database versions not stated): gnomAD 0.00001; TOPMed 0.00001; ExAC 0.00002; gnomAD exomes 0.00004.

Submissions (2):

Blueprint Genetics
Classification: Likely benign. Last evaluated: 2022-11-02. Review status: criteria provided, single submitter. Criteria: ACMG Guidelines, 2015. Collection method: clinical testing. Allele origin: germline.

Labcorp Genetics (formerly Invitae), Labcorp
Classification: Uncertain significance. Last evaluated: 2022-02-20. Review status: criteria provided, single submitter. Criteria: Invitae Variant Classification Sherloc (09022015). Collection method: clinical testing. Allele origin: germline.
Comment: Variants that disrupt the consensus splice site are a relatively common cause of aberrant splicing (PMID: 17576681, 9536098). Algorithms developed to predict the effect of sequence changes on RNA splicing suggest that this variant is not likely to affect RNA splicing. This sequence change falls in intron 13 of the DNAH9 gene. It does not directly change the encoded amino acid sequence of the DNAH9 protein. It affects a nucleotide within the consensus splice site. This variant is present in population databases (rs773497510, gnomAD 0.004%). This variant has not been reported in the literature in individuals affected with DNAH9-related conditions. In summary, the available evidence is currently insufficient to determine the role of this variant in disease. Therefore, it has been classified as a Variant of Uncertain Significance.

Literature cited by the submitters: PubMed 17576681 (cited by Labcorp Genetics (formerly Invitae), Labcorp); PubMed 9536098 (cited by Labcorp Genetics (formerly Invitae), Labcorp).

NM_001372.4(DNAH9):c.2353+6_2353+7del

Gene: DNAH9 (dynein axonemal heavy chain 9; plus strand). Cytogenetic location: 17p12.
Variant type: Deletion.
Coding change: c.2353+6_2353+7del on transcript NM_001372.4 (MANE Select); bases 6 to 7 of the intron after coding-DNA position 2353, 2 bases deleted (AG; older notation c.2353+6_2353+7delAG).
Molecular consequence: intron variant.
Genome position (GRCh38, 1-based): chr17:11,651,330-11,651,331, AG deleted. VCF-style (leftmost placement, unchanged base first): chr17-11651329-CAG-C. GRCh37 (hg19) VCF-style: chr17-11554646-CAG-C.
Identifiers: ClinVar variation 2176405 (VCV002176405.5), dbSNP rs773497510, ClinGen allele CA8395144.